The following is an entry in ClinVar:

ClinVar aggregate classification (germline): Uncertain significance (1 of 4 stars; one submission).

Submission:

GeneDx
Classification: Uncertain significance. Last evaluated: 2025-05-15. Review status: criteria provided, single submitter. Criteria: GeneDx Variant Classification Process June 2021. Collection method: clinical testing. Allele origin: germline. Affected: yes.
Comment: Not observed at significant frequency in large population cohorts (gnomAD); In silico analysis supports that this missense variant has a deleterious effect on protein structure/function; Has not been previously published as pathogenic or benign to our knowledge

NM_033380.3(COL4A5):c.3575C>T (p.Pro1192Leu)

Gene: COL4A5 (collagen type IV alpha 5 chain; plus strand). Cytogenetic location: Xq22.3.
Variant type: single nucleotide variant.
Coding change: c.3575C>T on transcript NM_033380.3 (MANE Select); coding-DNA position 3575, C replaced by T.
Protein change: p.Pro1192Leu; replaces proline 1192 with leucine.
Molecular consequence: missense variant.
Genome position (GRCh38, 1-based): chrX:108,667,154, C>T. VCF-style: chrX-108667154-C-T. GRCh37 (hg19) VCF-style: chrX-107910384-C-T.
Other names: c.3575C>T, p.Pro1192Leu (NM_000495.5); short protein forms P1192L.
Identifiers: ClinVar variation 4529797 (VCV004529797.1).
Genomic context (GRCh38, chrX:108,667,154, plus strand): 5'-ACTTGAGTTTTTGTTTTGTTTTGTTTTGTACTCTGACAGGTCAACCAGGCTTTGGAAACC[C>T]AGGACCCCCTGGACTTCCAGGACTTTCTGGTAAACCTTAATAAAACATGCTAAATCAATC-3'
Protein context (NP_203699.1, residues 1182-1202): GEPGQPGFGN[Pro1192Leu]GPPGLPGLSG